The following is an entry in ClinVar:

NM_001394998.1(TANC2):c.3582T>G (p.Leu1194=)

Genes: TANC2 (tetratricopeptide repeat, ankyrin repeat and coiled-coil containing 2; plus strand), LOC105371856 (uncharacterized LOC105371856; minus strand). Cytogenetic location: 17q23.3.
Variant type: single nucleotide variant.
Coding change: c.3582T>G on transcript NM_001394998.1 (MANE Select); coding-DNA position 3582, T replaced by G.
Protein change: p.Leu1194=; no amino-acid change (leucine 1194 retained).
Molecular consequence: synonymous variant.
Genome position (GRCh38, 1-based): chr17:63,406,270, T>G. VCF-style: chr17-63406270-T-G. GRCh37 (hg19) VCF-style: chr17-61483631-T-G.
Other names: c.3360T>G, p.Leu1120= (NM_001411076.1, NM_025185.4).
Identifiers: ClinVar variation 4534069 (VCV004534069.6).

ClinVar aggregate classification (germline): Likely benign (1 of 4 stars; one submission).

Submission:

CeGaT Center for Human Genetics Tuebingen
Classification: Likely benign. Last evaluated: 2025-10-01. Review status: criteria provided, single submitter. Criteria: CeGaT Center For Human Genetics Tuebingen Variant Classification Criteria Version 2. Collection method: clinical testing. Allele origin: germline. Affected: yes. Observed: 1 variant allele.
Comment: TANC2: PM2:Supporting, BP4, BP7